The following is an entry in ClinVar:

ClinVar aggregate classification (germline): Pathogenic (1 of 4 stars; one submission).

Submissions (2):

Labcorp Genetics (formerly Invitae), Labcorp
Classification: Pathogenic. Last evaluated: 2025-02-15. Review status: criteria provided, single submitter. Criteria: Invitae Variant Classification Sherloc (09022015). Collection method: clinical testing. Allele origin: germline.
Comment: This sequence change creates a premature translational stop signal (p.Trp267*) in the GHR gene. It is expected to result in an absent or disrupted protein product. Loss-of-function variants in GHR are known to be pathogenic (PMID: 1999489, 8488849). This variant is not present in population databases (gnomAD no frequency). This premature translational stop signal has been observed in individual(s) with short stature (PMID: 31883394). Algorithms developed to predict the effect of sequence changes on RNA splicing suggest that this variant may disrupt the consensus splice site. For these reasons, this variant has been classified as Pathogenic.

Dr. Peter K. Rogan Lab, Western University
No classification provided (evidence only). Condition: Hepatocellular carcinoma. Review status: no classification provided. Collection method: in vitro. Allele origin: not applicable. Functional consequence: skipped exon. Not counted in ClinVar's aggregate classification.

Literature cited by the submitters: PubMed 1999489 (cited by Labcorp Genetics (formerly Invitae), Labcorp); PubMed 8488849 (cited by Labcorp Genetics (formerly Invitae), Labcorp); PubMed 31883394 (cited by Labcorp Genetics (formerly Invitae), Labcorp).

NM_000163.5(GHR):c.800G>A (p.Trp267Ter)

Gene: GHR (growth hormone receptor; plus strand). Cytogenetic location: 5p12.
Variant type: single nucleotide variant.
Coding change: c.800G>A on transcript NM_000163.5 (MANE Select); coding-DNA position 800, G replaced by A.
Protein change: p.Trp267Ter; replaces tryptophan 267 with a stop codon.
Molecular consequence: nonsense.
Genome position (GRCh38, 1-based): chr5:42,713,444, G>A. VCF-style: chr5-42713444-G-A. GRCh37 (hg19) VCF-style: chr5-42713546-G-A.
Other names: c.821G>A, p.Trp274Ter (NM_001242399.2); c.800G>A, p.Trp267Ter (NM_001242400.2, NM_001242401.4, NM_001242402.2 and 5 more transcripts); c.734G>A, p.Trp245Ter (NM_001242460.2); short protein forms W245*, W267*, W274*.
Identifiers: ClinVar variation 3609138 (VCV003609138.3).